The following is an entry in ClinVar:

ClinVar aggregate classification (germline): Uncertain significance (1 of 4 stars; one submission).

Conditions:
Hereditary cancer-predisposing syndrome. Also called: Neoplastic Syndromes, Hereditary; Tumor predisposition; Hereditary neoplastic syndrome; Hereditary Cancer Syndrome. Identifiers: Orphanet 140162, MedGen C0027672, MeSH D009386, MONDO:0015356.

Allele frequency attached by ClinVar (database versions not stated): gnomAD exomes below 0.00001.
gnomAD v4.1: 1 of 1,612,744 alleles (0.000062%); highest among the groups gnomAD compares: Non-Finnish European, 0.000085%; no homozygotes.

Submission:

Ambry Genetics
Classification: Uncertain significance for Hereditary cancer-predisposing syndrome. Last evaluated: 2019-03-17. Review status: criteria provided, single submitter. Criteria: Ambry Variant Classification Scheme 2023. Collection method: clinical testing. Allele origin: germline.
Comment: The p.S154L variant (also known as c.461C>T), located in coding exon 4 of the NBN gene, results from a C to T substitution at nucleotide position 461. The serine at codon 154 is replaced by leucine, an amino acid with dissimilar properties. This amino acid position is well conserved in available vertebrate species. In addition, the in silico prediction for this alteration is inconclusive. Since supporting evidence is limited at this time, the clinical significance of this alteration remains unclear.

NM_002485.5(NBN):c.461C>T (p.Ser154Leu)

Gene: NBN (nibrin; minus strand). Cytogenetic location: 8q21.3.
Variant type: single nucleotide variant.
Coding change: c.461C>T on transcript NM_002485.5 (MANE Select); coding-DNA position 461, C replaced by T.
Protein change: p.Ser154Leu; replaces serine 154 with leucine.
Molecular consequence: missense variant.
Genome position (GRCh38, 1-based): chr8:89,980,753, G>A on the plus strand (C>T on the coding strand, the complement: NBN is on the minus strand). VCF-style: chr8-89980753-G-A. GRCh37 (hg19) VCF-style: chr8-90992981-G-A.
Other names: c.215C>T, p.Ser72Leu (NM_001024688.3); short protein forms S154L, S72L.
Identifiers: ClinVar variation 825049 (VCV000825049.4), dbSNP rs1586106651, ClinGen allele CA371661552.